The following is an entry in ClinVar:

NM_001370259.2(MEN1):c.1186G>C (p.Gly396Arg)

Gene: MEN1 (menin 1; minus strand). Cytogenetic location: 11q13.1.
Variant type: single nucleotide variant.
Coding change: c.1186G>C on transcript NM_001370259.2 (MANE Select); coding-DNA position 1186, G replaced by C.
Protein change: p.Gly396Arg; replaces glycine 396 with arginine.
Molecular consequence: missense variant. On other transcripts: non-coding transcript variant (4), intron variant (1).
Genome position (GRCh38, 1-based): chr11:64,805,198, C>G on the plus strand (G>C on the coding strand, the complement: MEN1 is on the minus strand). VCF-style: chr11-64805198-C-G. GRCh37 (hg19) VCF-style: chr11-64572670-C-G.
Other names: c.1201G>C, p.Gly401Arg (NM_000244.4, NM_001407145.1, NM_130800.3 and 4 more transcripts); c.1312G>C, p.Gly438Arg (NM_001370251.2, NM_001407142.1, NM_001407143.1 and 1 more transcripts); c.1186G>C, p.Gly396Arg (NM_001370260.2, NM_001370261.2, NM_001407146.1 and 2 more transcripts); c.1081G>C, p.Gly361Arg (NM_001370262.2, NM_001370263.2, NM_001407148.1 and 1 more transcripts); c.1327G>C, p.Gly443Arg (NM_001407150.1); c.1207G>C, p.Gly403Arg (NM_001407151.1); c.1186-382G>C (NM_001407152.1); short protein forms G438R, G361R, G403R, G396R, G401R, G443R.
Identifiers: ClinVar variation 3394981 (VCV003394981.1).

ClinVar aggregate classification (germline): Uncertain significance (1 of 4 stars; one submission).

Conditions:
Hereditary cancer-predisposing syndrome. Also called: Hereditary Cancer Syndrome; Tumor predisposition; Hereditary neoplastic syndrome; Neoplastic Syndromes, Hereditary. Identifiers: Orphanet 140162, MedGen C0027672, MeSH D009386, MONDO:0015356.

gnomAD v4.1: 1 of 1,613,266 alleles (0.000062%); no homozygotes.

Submission:

Ambry Genetics
Classification: Uncertain significance for Hereditary cancer-predisposing syndrome. Last evaluated: 2024-10-12. Review status: criteria provided, single submitter. Criteria: Ambry Variant Classification Scheme 2023. Collection method: clinical testing. Allele origin: germline.
Comment: The p.G396R variant (also known as c.1186G>C) is located in coding exon 8 of the MEN1 gene. The glycine at codon 396 is replaced by arginine, an amino acid with dissimilar properties. This change occurs in the first base pair of coding exon 8. This amino acid position is conserved. In addition, the in silico prediction for this alteration is inconclusive. Based on the available evidence, the clinical significance of this variant remains unclear.